The following is an entry in ClinVar:

ClinVar aggregate classification (germline): Uncertain significance (1 of 4 stars; one submission).

Submission:

Labcorp Genetics (formerly Invitae), Labcorp
Classification: Uncertain significance. Last evaluated: 2025-12-03. Review status: criteria provided, single submitter. Criteria: Invitae Variant Classification Sherloc (09022015). Collection method: clinical testing. Allele origin: germline.
Comment: This sequence change replaces tyrosine, which is neutral and polar, with histidine, which is basic and polar, at codon 548 of the CLCN4 protein (p.Tyr548His). This variant is not present in population databases (gnomAD no frequency). This variant has not been reported in the literature in individuals affected with CLCN4-related conditions. Invitae Evidence Modeling of protein sequence and biophysical properties (such as structural, functional, and spatial information, amino acid conservation, physicochemical variation, residue mobility, and thermodynamic stability) has been performed for this missense variant. However, the output from this modeling did not meet the statistical confidence thresholds required to predict the impact of this variant on CLCN4 protein function. In summary, the available evidence is currently insufficient to determine the role of this variant in disease. Therefore, it has been classified as a Variant of Uncertain Significance.

NM_001830.4(CLCN4):c.1642T>C (p.Tyr548His)

Gene: CLCN4 (chloride voltage-gated channel 4; plus strand). Cytogenetic location: Xp22.2.
Variant type: single nucleotide variant.
Coding change: c.1642T>C on transcript NM_001830.4 (MANE Select); coding-DNA position 1642, T replaced by C.
Protein change: p.Tyr548His; replaces tyrosine 548 with histidine.
Molecular consequence: missense variant.
Genome position (GRCh38, 1-based): chrX:10,213,746, T>C. VCF-style: chrX-10213746-T-C. GRCh37 (hg19) VCF-style: chrX-10181786-T-C.
Other names: c.1360T>C, p.Tyr454His (NM_001256944.2); short protein forms Y454H, Y548H.
Identifiers: ClinVar variation 4746261 (VCV004746261.1).